The following is an entry in ClinVar:

ClinVar aggregate classification (germline): Conflicting classifications of pathogenicity. Review status: criteria provided, conflicting classifications (1 of 4 stars). 2 submissions from 2 submitters: Uncertain significance (1); Likely benign (1). Last evaluated 2023-03-23.

Conditions:
Hereditary cancer-predisposing syndrome. Also called: Hereditary Cancer Syndrome; Hereditary neoplastic syndrome; Neoplastic Syndromes, Hereditary; Tumor predisposition. Identifiers: Orphanet 140162, MedGen C0027672, MeSH D009386, MONDO:0015356.

Submissions (2):

University of Washington Department of Laboratory Medicine, University of Washington
Classification: Likely benign for Hereditary cancer-predisposing syndrome. Last evaluated: 2023-03-23. Review status: criteria provided, single submitter. Criteria: Dines et al. (Genet Med. 2020). Collection method: curation. Allele origin: germline.
Comment: Missense variant in a coldspot region where missense variants are very unlikely to be pathogenic (PMID:31911673).

BRCA2 exon 11 coldspot. Reclassification based on statistical prior probability.

Ambry Genetics
Classification: Uncertain significance for Hereditary cancer-predisposing syndrome. Last evaluated: 2019-12-19. Review status: criteria provided, single submitter. Criteria: Ambry Variant Classification Scheme 2023. Collection method: clinical testing. Allele origin: germline.
Comment: The p.I1490V variant (also known as c.4468A>G), located in coding exon 10 of the BRCA2 gene, results from an A to G substitution at nucleotide position 4468. The isoleucine at codon 1490 is replaced by valine, an amino acid with highly similar properties. This amino acid position is not well conserved in available vertebrate species. In addition, this alteration is predicted to be tolerated by in silico analysis. Since supporting evidence is limited at this time, the clinical significance of this alteration remains unclear.

NM_000059.4(BRCA2):c.4468A>G (p.Ile1490Val)

Gene: BRCA2 (BRCA2 DNA repair associated; plus strand). Cytogenetic location: 13q13.1.
Variant type: single nucleotide variant.
Coding change: c.4468A>G on transcript NM_000059.4 (MANE Select); coding-DNA position 4468, A replaced by G.
Protein change: p.Ile1490Val; replaces isoleucine 1490 with valine.
Molecular consequence: missense variant.
Genome position (GRCh38, 1-based): chr13:32,338,823, A>G. VCF-style: chr13-32338823-A-G. GRCh37 (hg19) VCF-style: chr13-32912960-A-G.
Other names: c.4468A>G, p.Ile1490Val (NM_001406719.1, NM_001406720.1); short protein forms I1490V.
Identifiers: ClinVar variation 1740804 (VCV001740804.4), dbSNP rs2137506702, ClinGen allele CA387781449.